The following is an entry in ClinVar:

ClinVar aggregate classification (germline): Uncertain significance (1 of 4 stars; one submission).

Submission:

Dasa
Classification: Uncertain significance. Last evaluated: 2025-08-27. Review status: criteria provided, single submitter. Criteria: DASA Assertion Criteria. Collection method: clinical testing. Allele origin: germline.
Comment: NM_001257293.2(HNRNPH1):c.1157G>C (p.Gly386Ala) is a missense variant that results in the substitution of glycine with alanine. This variant is absent from population databases. The currently available literature and clinical evidence are not sufficient to establish a definitive association between this variant and the reported condition. Therefore, this variant is classified as a variant of uncertain significance.

NM_001257293.2(HNRNPH1):c.1157G>C (p.Gly386Ala)

Genes: HNRNPH1 (heterogeneous nuclear ribonucleoprotein H1; minus strand), LOC128966623 (uncharacterized LOC128966623; plus strand). Cytogenetic location: 5q35.3.
Variant type: single nucleotide variant.
Coding change: c.1157G>C on transcript NM_001257293.2 (MANE Select); coding-DNA position 1157, G replaced by C.
Protein change: p.Gly386Ala; replaces glycine 386 with alanine.
Molecular consequence: missense variant. On other transcripts: intron variant (8).
Genome position (GRCh38, 1-based): chr5:179,616,919, C>G on the plus strand (G>C on the coding strand, the complement: HNRNPH1 is on the minus strand). VCF-style: chr5-179616919-C-G. GRCh37 (hg19) VCF-style: chr5-179043920-C-G.
Other names: c.1157G>C, p.Gly386Ala (NM_001395181.1, NM_001395182.1, NM_001395187.1 and 16 more transcripts); c.1151G>C, p.Gly384Ala (NM_001395183.1); c.1148G>C, p.Gly383Ala (NM_001395184.1, NM_001395178.1); c.1136G>C, p.Gly379Ala (NM_001395186.1, NM_001364241.2, NM_001364242.2 and 3 more transcripts); c.1127G>C, p.Gly376Ala (NM_001395188.1); c.926G>C, p.Gly309Ala (NM_001395190.1); c.839G>C, p.Gly280Ala (NM_001395191.1); c.1097G>C, p.Gly366Ala (NM_001364246.2, NM_001364247.2, NM_001395177.1); and 6 more; short protein forms G185A, G249A, G280A, G309A, G334A, G366A, G376A, G379A.
Identifiers: ClinVar variation 4886710 (VCV004886710.2).